The following is an entry in ClinVar:

NM_203447.4(DOCK8):c.1044+1G>C

Gene: DOCK8 (dedicator of cytokinesis 8; plus strand). Cytogenetic location: 9p24.3.
Variant type: single nucleotide variant.
Coding change: c.1044+1G>C on transcript NM_203447.4 (MANE Select); the canonical splice donor site of the intron after coding-DNA position 1044, G replaced by C.
Molecular consequence: splice donor variant.
Genome position (GRCh38, 1-based): chr9:328,172, G>C. VCF-style: chr9-328172-G-C. GRCh37 (hg19) VCF-style: chr9-328172-G-C.
Other names: c.840+1G>C (NM_001193536.2, NM_001190458.2).
Identifiers: ClinVar variation 4729690 (VCV004729690.1).

ClinVar aggregate classification (germline): Likely pathogenic (1 of 4 stars; one submission).

Conditions:
Combined immunodeficiency due to DOCK8 deficiency (HIES2). Also called: HIES autosomal recessive; Hyper-IgE recurrent infection syndrome, autosomal recessive; DOCK8 Deficiency; HYPER-IgE SYNDROME 2, AUTOSOMAL RECESSIVE, WITH RECURRENT INFECTIONS; HYPER-IgE RECURRENT INFECTION SYNDROME 2, AUTOSOMAL RECESSIVE. Identifiers: Orphanet 217390, MedGen C4722305, MONDO:0009478, OMIM 243700.

Submission:

Labcorp Genetics (formerly Invitae), Labcorp
Classification: Likely pathogenic for Combined immunodeficiency due to DOCK8 deficiency. Last evaluated: 2025-10-23. Review status: criteria provided, single submitter. Criteria: Invitae Variant Classification Sherloc (09022015). Collection method: clinical testing. Allele origin: germline.
Comment: This sequence change affects a donor splice site in intron 9 of the DOCK8 gene. It is expected to disrupt RNA splicing. Variants that disrupt the donor or acceptor splice site typically lead to a loss of protein function (PMID: 16199547), and loss-of-function variants in DOCK8 are known to be pathogenic (PMID: 14722525, 19776401). This variant is not present in population databases (gnomAD no frequency). This variant has not been reported in the literature in individuals affected with DOCK8-related conditions. Algorithms developed to predict the effect of sequence changes on RNA splicing suggest that this variant may disrupt the consensus splice site. In summary, the currently available evidence indicates that the variant is pathogenic, but additional data are needed to prove that conclusively. Therefore, this variant has been classified as Likely Pathogenic.

Literature cited by the submitters: PubMed 16199547; PubMed 14722525; PubMed 19776401.